The following is an entry in ClinVar:

ClinVar aggregate classification (germline): Uncertain significance (1 of 4 stars; one submission).

Conditions:
Inborn genetic diseases. Identifiers: MedGen C0950123, MeSH D030342.

gnomAD v4.1: 1 of 1,613,870 alleles (0.000062%); highest among the groups gnomAD compares: Non-Finnish European, 0.000085%; no homozygotes.

Submission:

Ambry Genetics
Classification: Uncertain significance for Inborn genetic diseases. Last evaluated: 2026-06-08. Review status: criteria provided, single submitter. Criteria: Ambry Variant Classification Scheme 2023. Collection method: clinical testing. Allele origin: germline.
Comment: The p.V1173F variant (also known as c.3517G>T), located in coding exon 14 of the FANCM gene, results from a G to T substitution at nucleotide position 3517. The valine at codon 1173 is replaced by phenylalanine, an amino acid with highly similar properties. This amino acid position is conserved. In addition, this alteration is predicted to be tolerated by in silico analysis. Based on the available evidence, the clinical significance of this variant remains unclear.

NM_020937.4(FANCM):c.3517G>T (p.Val1173Phe)

Gene: FANCM (FA complementation group M; plus strand). Cytogenetic location: 14q21.2.
Variant type: single nucleotide variant.
Coding change: c.3517G>T on transcript NM_020937.4 (MANE Select); coding-DNA position 3517, G replaced by T.
Protein change: p.Val1173Phe; replaces valine 1173 with phenylalanine.
Molecular consequence: missense variant.
Genome position (GRCh38, 1-based): chr14:45,176,271, G>T. VCF-style: chr14-45176271-G-T. GRCh37 (hg19) VCF-style: chr14-45645474-G-T.
Other names: c.3439G>T, p.Val1147Phe (NM_001308133.2); short protein forms V1147F, V1173F.
Identifiers: ClinVar variation 4871185 (VCV004871185.1).